The following is an entry in ClinVar:

NM_005902.4(SMAD3):c.699C>G (p.Cys233Trp)

Gene: SMAD3 (SMAD family member 3; plus strand). Cytogenetic location: 15q22.33.
Variant type: single nucleotide variant.
Coding change: c.699C>G on transcript NM_005902.4 (MANE Select); coding-DNA position 699, C replaced by G.
Protein change: p.Cys233Trp; replaces cysteine 233 with tryptophan.
Molecular consequence: missense variant.
Genome position (GRCh38, 1-based): chr15:67,181,281, C>G. VCF-style: chr15-67181281-C-G. GRCh37 (hg19) VCF-style: chr15-67473619-C-G.
Other names: c.384C>G, p.Cys128Trp (NM_001145102.2); c.567C>G, p.Cys189Trp (NM_001145103.2); c.114C>G, p.Cys38Trp (NM_001145104.2); c.699C>G (NM_005902.3); short protein forms C128W, C189W, C233W, C38W.
Identifiers: ClinVar variation 1492867 (VCV001492867.7), dbSNP rs2140313911, ClinGen allele CA392955953.
Genomic context (GRCh38, chr15:67,181,281, plus strand): 5'-AGCCCACCCTGTGTCCACAGACCTGCAGCCAGTTACCTACTGCGAGCCGGCCTTCTGGTG[C>G]TCCATCTCCTACTACGAGCTGAACCAGCGCGTCGGGGAGACATTCCACGCCTCGCAGCCA-3'
Protein context (NP_005893.1, residues 223-243): PVTYCEPAFW[Cys233Trp]SISYYELNQR

ClinVar aggregate classification (germline): Uncertain significance. Review status: criteria provided, multiple submitters, no conflicts (2 of 4 stars). 2 submissions from 2 submitters: Uncertain significance (2). Last evaluated 2025-11-25.

Conditions:
Familial thoracic aortic aneurysm and aortic dissection (TAAD). Also called: Thoracic aortic aneurysms and dissections. Identifiers: Orphanet 91387, MedGen C4707243, MONDO:0019625.

Submissions (2):

Labcorp Genetics (formerly Invitae), Labcorp
Classification: Uncertain significance for Familial thoracic aortic aneurysm and aortic dissection. Last evaluated: 2025-11-25. Review status: criteria provided, single submitter. Criteria: Invitae Variant Classification Sherloc (09022015). Collection method: clinical testing. Allele origin: germline.
Comment: This sequence change replaces cysteine, which is neutral and slightly polar, with tryptophan, which is neutral and slightly polar, at codon 233 of the SMAD3 protein (p.Cys233Trp). This variant is not present in population databases (gnomAD no frequency). This variant has not been reported in the literature in individuals affected with SMAD3-related conditions. ClinVar contains an entry for this variant (Variation ID: 1492867). Invitae Evidence Modeling of protein sequence and biophysical properties (such as structural, functional, and spatial information, amino acid conservation, physicochemical variation, residue mobility, and thermodynamic stability) indicates that this missense variant is expected to disrupt SMAD3 protein function with a positive predictive value of 80%. In summary, the available evidence is currently insufficient to determine the role of this variant in disease. Therefore, it has been classified as a Variant of Uncertain Significance.

Ambry Genetics
Classification: Uncertain significance for Familial thoracic aortic aneurysm and aortic dissection. Last evaluated: 2025-06-23. Review status: criteria provided, single submitter. Criteria: Ambry Variant Classification Scheme 2023. Collection method: clinical testing. Allele origin: germline.
Comment: The p.C233W variant (also known as c.699C>G), located in coding exon 6 of the SMAD3 gene, results from a C to G substitution at nucleotide position 699. The cysteine at codon 233 is replaced by tryptophan, an amino acid with highly dissimilar properties. This amino acid position is conserved. In addition, this alteration is predicted to be deleterious by in silico analysis. Based on the available evidence, the clinical significance of this variant remains unclear.